The following is an entry in ClinVar:

ClinVar aggregate classification (germline): Uncertain significance (1 of 4 stars; one submission).

Conditions:
Familial adenomatous polyposis 1 (FAP1). Also called: POLYPOSIS, ADENOMATOUS INTESTINAL; FAMILIAL ADENOMATOUS POLYPOSIS 1, ATTENUATED. Identifiers: MedGen C2713442, MONDO:0021056, OMIM 175100. Disease mechanism: loss of function.

Submission:

Labcorp Genetics (formerly Invitae), Labcorp
Classification: Uncertain significance for Familial adenomatous polyposis 1. Last evaluated: 2022-04-21. Review status: criteria provided, single submitter. Criteria: Invitae Variant Classification Sherloc (09022015). Collection method: clinical testing. Allele origin: germline.
Comment: This variant is not present in population databases (gnomAD no frequency). In summary, the available evidence is currently insufficient to determine the role of this variant in disease. Therefore, it has been classified as a Variant of Uncertain Significance. Algorithms developed to predict the effect of missense changes on protein structure and function output the following: SIFT: "Deleterious"; PolyPhen-2: "Benign"; Align-GVGD: "Class C0". The proline amino acid residue is found in multiple mammalian species, which suggests that this missense change does not adversely affect protein function. This variant has not been reported in the literature in individuals affected with APC-related conditions. This sequence change replaces serine, which is neutral and polar, with proline, which is neutral and non-polar, at codon 2290 of the APC protein (p.Ser2290Pro).

NM_000038.6(APC):c.6868T>C (p.Ser2290Pro)

Gene: APC (APC regulator of Wnt signaling pathway; plus strand). Cytogenetic location: 5q22.2.
Variant type: single nucleotide variant.
Coding change: c.6868T>C on transcript NM_000038.6 (MANE Select); coding-DNA position 6868, T replaced by C.
Protein change: p.Ser2290Pro; replaces serine 2290 with proline.
Molecular consequence: missense variant.
Genome position (GRCh38, 1-based): chr5:112,842,462, T>C. VCF-style: chr5-112842462-T-C. GRCh37 (hg19) VCF-style: chr5-112178159-T-C.
Other names: c.6868T>C, p.Ser2290Pro (NM_001127510.3, NM_001354895.2, NM_001407450.1); c.6814T>C, p.Ser2272Pro (NM_001127511.3); c.6745T>C, p.Ser2249Pro (NM_001354900.2); c.6691T>C, p.Ser2231Pro (NM_001354901.2, NM_001407453.1); c.6595T>C, p.Ser2199Pro (NM_001354902.2); c.6565T>C, p.Ser2189Pro (NM_001354903.2, NM_001407458.1, NM_001407459.1 and 1 more transcripts); c.6490T>C, p.Ser2164Pro (NM_001354904.2); c.6922T>C, p.Ser2308Pro (NM_001354896.2, NM_001407447.1, NM_001407448.1 and 1 more transcripts); and 11 more; short protein forms S1906P, S2272P, S2300P, S2007P, S2161P, S2164P, S2189P, S2249P.
Identifiers: ClinVar variation 2128752 (VCV002128752.4), dbSNP rs2149975076, ClinGen allele CA16036321.
Genomic context (GRCh38, chr5:112,842,462, plus strand): 5'-TCTCCTAGAGGAGCCAAGCCATCTGTGAAATCAGAATTAAGCCCTGTTGCCAGGCAGACA[T>C]CCCAAATAGGTGGGTCAAGTAAAGCACCTTCTAGATCAGGATCTAGAGATTCGACCCCTT-3'
Protein context (NP_000029.2, residues 2280-2300): SELSPVARQT[Ser2290Pro]QIGGSSKAPS